The following is an entry in ClinVar:

NM_015087.5(SPART):c.1526T>C (p.Leu509Pro)

Gene: SPART (spartin; minus strand). Cytogenetic location: 13q13.3.
Variant type: single nucleotide variant.
Coding change: c.1526T>C on transcript NM_015087.5 (MANE Select); coding-DNA position 1526, T replaced by C.
Protein change: p.Leu509Pro; replaces leucine 509 with proline.
Molecular consequence: missense variant.
Genome position (GRCh38, 1-based): chr13:36,312,435, A>G on the plus strand (T>C on the coding strand, the complement: SPART is on the minus strand). VCF-style: chr13-36312435-A-G. GRCh37 (hg19) VCF-style: chr13-36886572-A-G.
Other names: c.1526T>C, p.Leu509Pro (NM_001142294.2, NM_001142295.2, NM_001142296.2); short protein forms L509P.
Identifiers: ClinVar variation 1996416 (VCV001996416.4), dbSNP rs2500539538, ClinGen allele CA387857223.

ClinVar aggregate classification (germline): Uncertain significance (1 of 4 stars; one submission).

Submission:

Labcorp Genetics (formerly Invitae), Labcorp
Classification: Uncertain significance. Last evaluated: 2024-02-24. Review status: criteria provided, single submitter. Criteria: Invitae Variant Classification Sherloc (09022015). Collection method: clinical testing. Allele origin: germline.
Comment: This sequence change replaces leucine, which is neutral and non-polar, with proline, which is neutral and non-polar, at codon 509 of the SPART protein (p.Leu509Pro). This variant is not present in population databases (gnomAD no frequency). This variant has not been reported in the literature in individuals affected with SPART-related conditions. ClinVar contains an entry for this variant (Variation ID: 1996416). Advanced modeling of protein sequence and biophysical properties (such as structural, functional, and spatial information, amino acid conservation, physicochemical variation, residue mobility, and thermodynamic stability) has been performed at Invitae for this missense variant, however the output from this modeling did not meet the statistical confidence thresholds required to predict the impact of this variant on SPART protein function. In summary, the available evidence is currently insufficient to determine the role of this variant in disease. Therefore, it has been classified as a Variant of Uncertain Significance.